The following is an entry in ClinVar:

ClinVar aggregate classification (germline): Pathogenic (1 of 4 stars; one submission).

Conditions:
Neurofibromatosis, type 2 (SWNV). Also called: NF2-Related Schwannomatosis; BILATERAL ACOUSTIC NEUROFIBROMATOSIS; SCHWANNOMATOSIS, VESTIBULAR. Identifiers: Orphanet 637, MedGen C0027832, MONDO:0007039, OMIM 101000. Disease mechanism: loss of function.

Submission:

ENT and Head and Neck Research Center and Department,  The Five Senses Health Institute, Iran University of Medical Sciences
Classification: Pathogenic for Neurofibromatosis, type 2. Last evaluated: 2024-08-18. Review status: criteria provided, single submitter. Criteria: ACMG Guidelines, 2015. Collection method: clinical testing. Allele origin: de novo. Affected: yes.
Comment: PVS1: Null variant (single exon deletion) in gene NF2. Loss-of-function is a known mechanism of disease. PS2: De novo (both maternity and paternity confirmed) in a patient with the disease and no family history

Literature cited by the submitters: PubMed 15645494; PubMed 40249415.

NC_000022.11:g.29603125_29636794del

Genes: NF2 (NF2, moesin-ezrin-radixin like (MERLIN) tumor suppressor; plus strand), LOC130067183 (ATAC-STARR-seq lymphoblastoid active region 18817; plus strand), LOC130067184 (ATAC-STARR-seq lymphoblastoid silent region 13595; plus strand). Cytogenetic location: 22q12.2.
Variant type: Deletion.
Identifiers: ClinVar variation 3338421 (VCV003338421.1).